The following is an entry in ClinVar:

NM_018082.6(POLR3B):c.985C>T (p.Arg329Ter)

Gene: POLR3B (RNA polymerase III subunit B; plus strand). Cytogenetic location: 12q23.3.
Variant type: single nucleotide variant.
Coding change: c.985C>T on transcript NM_018082.6 (MANE Select); coding-DNA position 985, C replaced by T.
Protein change: p.Arg329Ter; replaces arginine 329 with a stop codon.
Molecular consequence: nonsense.
Genome position (GRCh38, 1-based): chr12:106,410,844, C>T. VCF-style: chr12-106410844-C-T. GRCh37 (hg19) VCF-style: chr12-106804622-C-T.
Other names: NM_018082.6(POLR3B):c.985C>T; p.Arg329Ter; c.811C>T, p.Arg271Ter (NM_001160708.2); short protein forms R271*, R329*.
Identifiers: ClinVar variation 1184513 (VCV001184513.4), dbSNP rs758437925, ClinGen allele CA6761852.
Genomic context (GRCh38, chr12:106,410,844, plus strand): 5'-TGTCCATTTTCTCAAAATTTTTCTCCAATTTCTGACTTACAGGTTAAGGAATTCAATTTC[C>T]GAGCCAAATGTATCTATACTGCAGTGATGGTGCGAAGAGTTATTCTGGCCCAAGGAGATA-3'

ClinVar aggregate classification (germline): Likely pathogenic. Review status: criteria provided, single submitter (1 of 4 stars). 2 submissions from 2 submitters: Likely pathogenic (1). 1 of the submissions does not count toward it. Last evaluated 2023-01-24.

Conditions:
Leukodystrophy, hypomyelinating, 8, with or without oligodontia and/or hypogonadotropic hypogonadism. Also called: LEUKODYSTROPHY, HYPOMYELINATING, 8, WITH HYPODONTIA AND HYPOGONADOTROPIC HYPOGONADISM; Hypomyelinating leukodystrophy 8 with or without oligodontia and-or hypogonadotropic hypogonadism; Endosteal sclerosis-cerebellar hypoplasia syndrome. Identifiers: Orphanet 85186, Orphanet 88637, MedGen C3280644, MONDO:0013722, OMIM 614381.

Allele frequency attached by ClinVar (database versions not stated): gnomAD exomes 0.00001; ExAC 0.00001.
gnomAD v4.1: 9 of 1,613,818 alleles (0.00056%); highest among the groups gnomAD compares: South Asian, 0.0033%; no homozygotes.

Submissions (2):

Broad Center for Mendelian Genomics, Broad Institute of MIT and Harvard
Classification: Likely pathogenic for Leukodystrophy, hypomyelinating, 8, with or without oligodontia and/or hypogonadotropic hypogonadism. Last evaluated: 2023-01-24. Review status: criteria provided, single submitter. Criteria: ACMG Guidelines, 2015. Collection method: curation. Allele origin: germline. Inheritance: Autosomal recessive inheritance.
Comment: The p.Arg329Ter variant in POLR3B has not been previously reported in the literature in individuals with 4H leukodystrophy but has been identified in 0.007% (2/30612) of South Asian chromosomes by the Genome Aggregation Database (gnomAD; dbSNP ID: rs758437925). Although this variant has been seen in the general population in a heterozygous state, its frequency is low enough to be consistent with a recessive carrier frequency. This variant has also been reported in ClinVar (Variation ID#: 1184513) and has been interpreted as pathogenic by Genomics England Pilot Project (Genomics England). This nonsense variant leads to a premature termination codon at position 329, which is predicted to lead to a truncated or absent protein. Loss of function of the POLR3B gene is an established disease mechanism in autosomal recessive 4H leukodystrophy. In summary, although additional studies are required to fully establish its clinical significance, this variant is likely pathogenic for autosomal recessive 4H leukodystrophy. ACMG/AMP Criteria applied: PVS1, PM2 (Richards 2015).

Genomics England Pilot Project, Genomics England
Classification: Pathogenic for Leukodystrophy, hypomyelinating, 8, with or without oligodontia and/or hypogonadotropic hypogonadism. Review status: no assertion criteria provided. Criteria: ACGS Guidelines, 2016. Collection method: clinical testing. Allele origin: germline. Affected: yes. Not counted in ClinVar's aggregate classification.